The following is an entry in ClinVar:

ClinVar aggregate classification (germline): Likely benign. Review status: criteria provided, multiple submitters, no conflicts (2 of 4 stars). 3 submissions from 3 submitters: Likely benign (3). Last evaluated 2026-01-27.

Allele frequency attached by ClinVar (database versions not stated): ExAC 0.00005; gnomAD exomes 0.00005; gnomAD 0.00007; ESP Exome Variant Server 0.00008; TOPMed 0.00009; 1000 Genomes Project 0.00020; 1000 Genomes Project 30x 0.00031.
gnomAD v4.1: 77 of 1,556,684 alleles (0.0049%); highest among the groups gnomAD compares: African/African-American, 0.018%; no homozygotes.

Submissions (3):

Women's Health and Genetics/Laboratory Corporation of America, LabCorp
Classification: Likely benign. Last evaluated: 2026-01-27. Review status: criteria provided, single submitter. Criteria: LabCorp Variant Classification Summary - May 2015. Collection method: clinical testing. Allele origin: germline.

Labcorp Genetics (formerly Invitae), Labcorp
Classification: Likely benign. Last evaluated: 2025-11-07. Review status: criteria provided, single submitter. Criteria: Invitae Variant Classification Sherloc (09022015). Collection method: clinical testing. Allele origin: germline.

CeGaT Center for Human Genetics Tuebingen
Classification: Likely benign. Last evaluated: 2024-08-01. Review status: criteria provided, single submitter. Criteria: CeGaT Center For Human Genetics Tuebingen Variant Classification Criteria Version 2. Collection method: clinical testing. Allele origin: germline. Affected: yes. Observed: 1 variant allele.
Comment: ARHGEF10: BP4, BP7

NM_014629.4(ARHGEF10):c.1002C>T (p.Asp334=)

Gene: ARHGEF10 (Rho guanine nucleotide exchange factor 10; plus strand). Cytogenetic location: 8p23.3.
Variant type: single nucleotide variant.
Coding change: c.1002C>T on transcript NM_014629.4 (MANE Select); coding-DNA position 1002, C replaced by T.
Protein change: p.Asp334=; no amino-acid change (aspartic acid 334 retained).
Molecular consequence: synonymous variant.
Genome position (GRCh38, 1-based): chr8:1,882,676, C>T. VCF-style: chr8-1882676-C-T. GRCh37 (hg19) VCF-style: chr8-1830842-C-T.
Other names: c.888C>T, p.Asp296= (NM_001308152.2); c.1005C>T, p.Asp335= (NM_001308153.3).
Identifiers: ClinVar variation 2916316 (VCV002916316.20), dbSNP rs377270010, ClinGen allele CA4600160.